The following is an entry in ClinVar:

NM_000090.4(COL3A1):c.1923+13T>A

Gene: COL3A1 (collagen type III alpha 1 chain; plus strand). Cytogenetic location: 2q32.2.
Variant type: single nucleotide variant.
Coding change: c.1923+13T>A on transcript NM_000090.4 (MANE Select); 13 bases into the intron after coding-DNA position 1923, T replaced by A.
Molecular consequence: intron variant.
Genome position (GRCh38, 1-based): chr2:188,997,766, T>A. VCF-style: chr2-188997766-T-A. GRCh37 (hg19) VCF-style: chr2-189862492-T-A.
Identifiers: ClinVar variation 515938 (VCV000515938.2), dbSNP rs1297328714, ClinGen allele CA658796118.

ClinVar aggregate classification (germline): Likely benign. Review status: criteria provided, multiple submitters, no conflicts (2 of 4 stars). 2 submissions from 2 submitters: Likely benign (2). Last evaluated 2026-01-06.

Conditions:
Ehlers-Danlos syndrome, type 4 (EDSVASC). Also called: Ehlers-Danlos syndrome vascular type; Ehlers Danlos syndrome, ecchymotic type; Ehlers Danlos syndrome, arterial type; Ehlers Danlos syndrome, Sack-Barabas type; Ehlers-Danlos Syndrome Type IV. Identifiers: Orphanet 286, MedGen C0268338, MONDO:0017314, OMIM 130050.

Allele frequency attached by ClinVar (database versions not stated): gnomAD 0.00001.
gnomAD v4.1: 2 of 1,612,044 alleles (0.00012%); no homozygotes.

Submissions (2):

Labcorp Genetics (formerly Invitae), Labcorp
Classification: Likely benign for Ehlers-Danlos syndrome, type 4. Last evaluated: 2026-01-06. Review status: criteria provided, single submitter. Criteria: Invitae Variant Classification Sherloc (09022015). Collection method: clinical testing. Allele origin: germline.

GeneDx
Classification: Likely benign. Last evaluated: 2018-03-06. Review status: criteria provided, single submitter. Criteria: GeneDx Variant Classification (06012015). Collection method: clinical testing. Allele origin: germline. Affected: yes.
Comment: This variant is considered likely benign or benign based on one or more of the following criteria: it is a conservative change, it occurs at a poorly conserved position in the protein, it is predicted to be benign by multiple in silico algorithms, and/or has population frequency not consistent with disease.